The following is an entry in ClinVar:

ClinVar aggregate classification (germline): Uncertain significance (1 of 4 stars; one submission).

gnomAD v4.1: 3 of 1,613,652 alleles (0.00019%); highest among the groups gnomAD compares: Non-Finnish European, 0.00025%; no homozygotes.

Submission:

Labcorp Genetics (formerly Invitae), Labcorp
Classification: Uncertain significance. Last evaluated: 2024-12-09. Review status: criteria provided, single submitter. Criteria: Invitae Variant Classification Sherloc (09022015). Collection method: clinical testing. Allele origin: germline.
Comment: This sequence change replaces alanine, which is neutral and non-polar, with threonine, which is neutral and polar, at codon 237 of the LCT protein (p.Ala237Thr). This variant is present in population databases (no rsID available, gnomAD 0.0009%). This variant has not been reported in the literature in individuals affected with LCT-related conditions. An algorithm developed to predict the effect of missense changes on protein structure and function (PolyPhen-2) suggests that this variant is likely to be tolerated. In summary, the available evidence is currently insufficient to determine the role of this variant in disease. Therefore, it has been classified as a Variant of Uncertain Significance.

NM_002299.4(LCT):c.709G>A (p.Ala237Thr)

Gene: LCT (lactase; minus strand). Cytogenetic location: 2q21.3.
Variant type: single nucleotide variant.
Coding change: c.709G>A on transcript NM_002299.4 (MANE Select); coding-DNA position 709, G replaced by A.
Protein change: p.Ala237Thr; replaces alanine 237 with threonine.
Molecular consequence: missense variant.
Genome position (GRCh38, 1-based): chr2:135,833,122, C>T on the plus strand (G>A on the coding strand, the complement: LCT is on the minus strand). VCF-style: chr2-135833122-C-T. GRCh37 (hg19) VCF-style: chr2-136590692-C-T.
Other names: short protein forms A237T.
Identifiers: ClinVar variation 3659802 (VCV003659802.2).